The following is an entry in ClinVar:

ClinVar aggregate classification (germline): Uncertain significance. Review status: criteria provided, multiple submitters, no conflicts (2 of 4 stars). 5 submissions from 5 submitters: Uncertain significance (4). 1 of the submissions does not count toward it. Last evaluated 2024-09-10.

Conditions:
BRCA2-related disorder. Also called: BRCA2-related disorders; BRCA2-related condition. Identifiers: MedGen CN239275.
BRCA2-related cancer predisposition. Identifiers: MedGen CN377758, MONDO:0700269.

Allele frequency attached by ClinVar (database versions not stated): gnomAD exomes below 0.00001; ExAC 0.00001.

Submissions (5):

Department of Pathology and Laboratory Medicine, Sinai Health System
Classification: Uncertain significance for BRCA2-related cancer predisposition. Last evaluated: 2024-09-10. Review status: criteria provided, single submitter. Criteria: ACMG Guidelines, 2015. Collection method: clinical testing. Allele origin: germline.

Quest Diagnostics Nichols Institute San Juan Capistrano
Classification: Uncertain significance. Last evaluated: 2023-03-01. Review status: criteria provided, single submitter. Criteria: Quest Diagnostics criteria. Collection method: clinical testing. Allele origin: unknown.
Comment: The variant has not been reported in individuals with BRCA2-related conditions in the published literature. The frequency of this variant in the general population, 0.000004 (1/248550 chromosomes), is uninformative in assessment of its pathogenicity. Based on the available information, we are unable to determine the clinical significance of this variant.

Genetic Services Laboratory, University of Chicago
Classification: Uncertain significance. Last evaluated: 2019-03-20. Review status: criteria provided, single submitter. Criteria: ACMG Guidelines, 2015. Collection method: clinical testing. Allele origin: germline. Affected: no.

Women's Health and Genetics/Laboratory Corporation of America, LabCorp
Classification: Uncertain significance. Last evaluated: 2016-10-25. Review status: criteria provided, single submitter. Criteria: LabCorp Variant Classification Summary - May 2015. Collection method: clinical testing. Allele origin: germline.
Comment: Variant summary: The BRCA2 c.*8C>T variant involves the alteration of a non-conserved nucleotide in 3' UTR. One in silico tool predicts a benign outcome for this variant. This variant was found in 1/116646 control chromosomes at a frequency of 0.0000086, which does not exceed the estimated maximal expected allele frequency of a pathogenic BRCA2 variant (0.0007503). The variant of interest has not, to our knowledge, been reported in affected individuals via publications and/or reputable databases/clinical diagnostic laboratories nor was it evaluated for functional impact by in vivo/vitro studies. Because of the absence of clinical information and the lack of functional studies, the variant is classified as a variant of uncertain significance (VUS) until additional information becomes available.

PreventionGenetics, part of Exact Sciences
Classification: Likely benign for BRCA2-related condition. Last evaluated: 2024-01-16. Review status: no assertion criteria provided. Collection method: clinical testing. Allele origin: germline. Not counted in ClinVar's aggregate classification.
Comment: This variant is classified as likely benign based on ACMG/AMP sequence variant interpretation guidelines (Richards et al. 2015 PMID: 25741868, with internal and published modifications).

NM_000059.4(BRCA2):c.*8C>T

Gene: BRCA2 (BRCA2 DNA repair associated; plus strand). Cytogenetic location: 13q13.1.
Variant type: single nucleotide variant.
Coding change: c.*8C>T on transcript NM_000059.4 (MANE Select); 8 bases downstream of the stop codon, C replaced by T.
Molecular consequence: 3 prime UTR variant.
Genome position (GRCh38, 1-based): chr13:32,398,778, C>T. VCF-style: chr13-32398778-C-T. GRCh37 (hg19) VCF-style: chr13-32972915-C-T.
Identifiers: ClinVar variation 495426 (VCV000495426.9), dbSNP rs747134610, ClinGen allele CA6941486.